The following is an entry in ClinVar:

ClinVar aggregate classification (germline): Likely benign. Review status: criteria provided, multiple submitters, no conflicts (2 of 4 stars). 2 submissions from 2 submitters: Likely benign (2). Last evaluated 2024-11-18.

Allele frequency attached by ClinVar (database versions not stated): gnomAD exomes 0.00002; ExAC 0.00003; gnomAD 0.00004; TOPMed 0.00004.
gnomAD v4.1: 41 of 1,610,500 alleles (0.0025%); highest among the groups gnomAD compares: Admixed American, 0.03%; no homozygotes.

Submissions (2):

Labcorp Genetics (formerly Invitae), Labcorp
Classification: Likely benign. Last evaluated: 2024-11-18. Review status: criteria provided, single submitter. Criteria: Invitae Variant Classification Sherloc (09022015). Collection method: clinical testing. Allele origin: germline.

CeGaT Center for Human Genetics Tuebingen
Classification: Likely benign. Last evaluated: 2024-04-01. Review status: criteria provided, single submitter. Criteria: CeGaT Center For Human Genetics Tuebingen Variant Classification Criteria Version 2. Collection method: clinical testing. Allele origin: germline. Affected: yes. Observed: 1 variant allele.
Comment: LAMA1: BP4, BP7

NM_005559.4(LAMA1):c.2322C>T (p.Pro774=)

Gene: LAMA1 (laminin subunit alpha 1; minus strand). Cytogenetic location: 18p11.31.
Variant type: single nucleotide variant.
Coding change: c.2322C>T on transcript NM_005559.4 (MANE Select); coding-DNA position 2322, C replaced by T.
Protein change: p.Pro774=; no amino-acid change (proline 774 retained).
Molecular consequence: synonymous variant.
Genome position (GRCh38, 1-based): chr18:7,026,059, G>A on the plus strand (C>T on the coding strand, the complement: LAMA1 is on the minus strand). VCF-style: chr18-7026059-G-A. GRCh37 (hg19) VCF-style: chr18-7026058-G-A.
Identifiers: ClinVar variation 2967111 (VCV002967111.23), dbSNP rs757439960, ClinGen allele CA8882683.